The following is an entry in ClinVar:

NM_022039.4(FBXW4):c.1302-17C>T

Gene: FBXW4 (F-box and WD repeat domain containing 4; minus strand). Cytogenetic location: 10q24.32.
Variant type: single nucleotide variant.
Coding change: c.1302-17C>T on transcript NM_022039.4 (MANE Select); 17 bases into the intron before coding-DNA position 1302, C replaced by T.
Molecular consequence: intron variant.
Genome position (GRCh38, 1-based): chr10:101,612,494, G>A on the plus strand (C>T on the coding strand, the complement: FBXW4 is on the minus strand). VCF-style: chr10-101612494-G-A. GRCh37 (hg19) VCF-style: chr10-103372251-G-A.
Other names: c.576-17C>T (NM_001323541.2).
Identifiers: ClinVar variation 3020720 (VCV003020720.3), dbSNP rs201585955, ClinGen allele CA5657274.
Genomic context (GRCh38, chr10:101,612,494, plus strand): 5'-CCCCTGGGGGAAAGTCACTGCCCAAGTGTGTCATCAGCTGCCCACTGGGAAGGGAAGGAC[G>A]GAGTGAGAGGCTGCTCCACGTGGGTCATACACATTCGTTCCACCTTCAGAAGGCATCAGA-3'

ClinVar aggregate classification (germline): Uncertain significance (1 of 4 stars; one submission).

Allele frequency attached by ClinVar (database versions not stated): 1000 Genomes Project 30x 0.00016; 1000 Genomes Project 0.00020; gnomAD 0.00025; ExAC 0.00027; ESP Exome Variant Server 0.00038.
gnomAD v4.1: 402 of 1,540,812 alleles (0.026%); highest among the groups gnomAD compares: Middle Eastern, 0.069%; 1 homozygote.

Submission:

Labcorp Genetics (formerly Invitae), Labcorp
Classification: Uncertain significance. Last evaluated: 2022-11-15. Review status: criteria provided, single submitter. Criteria: Invitae Variant Classification Sherloc (09022015). Collection method: clinical testing. Allele origin: germline.
Comment: This sequence change falls in intron 6 of the FBXW4 gene. It does not directly change the encoded amino acid sequence of the FBXW4 protein. This variant is present in population databases (rs201585955, gnomAD 0.7%). This variant has not been reported in the literature in individuals affected with FBXW4-related conditions. Algorithms developed to predict the effect of sequence changes on RNA splicing suggest that this variant may disrupt the consensus splice site. In summary, the available evidence is currently insufficient to determine the role of this variant in disease. Therefore, it has been classified as a Variant of Uncertain Significance.